The following is an entry in ClinVar:

ClinVar aggregate classification (germline): Conflicting classifications of pathogenicity. Review status: criteria provided, conflicting classifications (1 of 4 stars). 6 submissions from 6 submitters: Uncertain significance (5); Benign (1). Last evaluated 2025-12-19.

Conditions:
NF1-related disorder. Also called: NF1-related condition. Identifiers: MedGen CN379171.
Cardiovascular phenotype. Identifiers: MedGen CN230736.
Hereditary cancer-predisposing syndrome. Also called: Tumor predisposition; Hereditary Cancer Syndrome; Hereditary neoplastic syndrome; Neoplastic Syndromes, Hereditary. Identifiers: Orphanet 140162, MedGen C0027672, MeSH D009386, MONDO:0015356.
Neurofibromatosis, type 1 (NF1). Also called: VON RECKLINGHAUSEN DISEASE; NEUROFIBROMATOSIS, TYPE I, SOMATIC; Peripheral type neurofibromatosis; Neurofibromatosis, type I. Identifiers: Orphanet 636, MedGen C0027831, MONDO:0018975, OMIM 162200. Disease mechanism: loss of function.

Allele frequency attached by ClinVar (database versions not stated): gnomAD 0.00001; TOPMed 0.00001.
gnomAD v4.1: 15 of 1,613,970 alleles (0.00093%); highest among the groups gnomAD compares: East Asian, 0.0022%; no homozygotes.

Submissions (6):

Labcorp Genetics (formerly Invitae), Labcorp
Classification: Benign for Neurofibromatosis, type 1. Last evaluated: 2025-12-19. Review status: criteria provided, single submitter. Criteria: Invitae Variant Classification Sherloc (09022015). Collection method: clinical testing. Allele origin: germline.

GeneDx
Classification: Uncertain significance. Last evaluated: 2023-05-18. Review status: criteria provided, single submitter. Criteria: GeneDx Variant Classification Process June 2021. Collection method: clinical testing. Allele origin: germline. Affected: yes.
Comment: In silico analysis supports that this missense variant does not alter protein structure/function; Has not been previously published as pathogenic or benign to our knowledge

PreventionGenetics, part of Exact Sciences
Classification: Uncertain significance for NF1-related condition. Last evaluated: 2022-09-26. Review status: criteria provided, single submitter. Criteria: ACMG Guidelines, 2015. Collection method: clinical testing. Allele origin: germline.
Comment: The NF1 c.8324A>G variant is predicted to result in the amino acid substitution p.Asn2775Ser. To our knowledge, this variant has not been reported in the literature. This variant is reported in 0.00088% of alleles in individuals of European (Non-Finnish) descent in gnomAD. At this time, the clinical significance of this variant is uncertain due to the absence of conclusive functional and genetic evidence.

Ambry Genetics
Classification: Uncertain significance for Cardiovascular phenotype; Hereditary cancer-predisposing syndrome. Last evaluated: 2022-05-10. Review status: criteria provided, single submitter. Criteria: Ambry Variant Classification Scheme 2023. Collection method: clinical testing. Allele origin: germline.

Genome-Nilou Lab
Classification: Uncertain significance for Neurofibromatosis, type 1. Last evaluated: 2022-03-15. Review status: criteria provided, single submitter. Criteria: ACMG Guidelines, 2015. Collection method: clinical testing. Allele origin: germline. Affected: no.

Mendelics
Classification: Uncertain significance for Neurofibromatosis, type 1. Last evaluated: 2018-07-02. Review status: criteria provided, single submitter. Criteria: Mendelics Assertion Criteria 2017. Collection method: clinical testing. Allele origin: unknown.

NM_001042492.3(NF1):c.8324A>G (p.Asn2775Ser)

Gene: NF1 (neurofibromin 1; plus strand). Cytogenetic location: 17q11.2.
Variant type: single nucleotide variant.
Coding change: c.8324A>G on transcript NM_001042492.3 (MANE Select); coding-DNA position 8324, A replaced by G.
Protein change: p.Asn2775Ser; replaces asparagine 2775 with serine.
Molecular consequence: missense variant.
Genome position (GRCh38, 1-based): chr17:31,360,650, A>G. VCF-style: chr17-31360650-A-G. GRCh37 (hg19) VCF-style: chr17-29687668-A-G.
Other names: c.8261A>G, p.Asn2754Ser (NM_000267.4); short protein forms N2754S, N2775S.
Identifiers: ClinVar variation 237606 (VCV000237606.17), dbSNP rs772090874, ClinGen allele CA8487788.
Genomic context (GRCh38, chr17:31,360,650, plus strand): 5'-TCCTGACTCCCACATCTCCTTACCCTCCTGCACTGCAGAGCCAGCTTAGTATCACTGCCA[A>G]CCTTAACCTTTCTAATTCCATGACCTCACTTGCAACTTCCCAGCATTCCCCAGGTCAGTA-3'
Protein context (NP_001035957.1, residues 2765-2785): ALQSQLSITA[Asn2775Ser]LNLSNSMTSL